The following is an entry in ClinVar:

NM_000169.3(GLA):c.-79G>A

Genes: GLA (galactosidase alpha; minus strand), RPL36A-HNRNPH2 (RPL36A-HNRNPH2 readthrough; plus strand). Cytogenetic location: Xq22.1.
Variant type: single nucleotide variant.
Coding change: c.-79G>A on transcript NM_000169.3 (MANE Select); 79 bases upstream of the start codon, G replaced by A.
Molecular consequence: intron variant (on NM_001199973.2).
Genome position (GRCh38, 1-based): chrX:101,407,982, C>T on the plus strand (G>A on the coding strand, the complement: GLA is on the minus strand). VCF-style: chrX-101407982-C-T. GRCh37 (hg19) VCF-style: chrX-100662970-C-T.
Other names: c.301-3954C>T (NM_001199973.2); c.178-3954C>T (NM_001199974.2).
Identifiers: ClinVar variation 928720 (VCV000928720.5), dbSNP rs1928609406, ClinGen allele CA1139667730.

ClinVar aggregate classification (germline): Uncertain significance. Review status: criteria provided, multiple submitters, no conflicts (2 of 4 stars). 2 submissions from 2 submitters: Uncertain significance (2). Last evaluated 2026-09-08.

Conditions:
Fabry disease. Also called: Fabry's disease; Angiokeratoma corporis diffusum; CERAMIDE TRIHEXOSIDASE DEFICIENCY; GLA DEFICIENCY; HEREDITARY DYSTOPIC LIPIDOSIS; ALPHA-GALACTOSIDASE A DEFICIENCY. Identifiers: Orphanet 324, MedGen C0002986, MONDO:0010526, OMIM 301500, HP:0001071. Disease mechanism: loss of function, Fabry disease is due to inactivating mutations in the X-linked GLA gene resulting in deficiency of the enzyme Alpha Galactosidase-A..

Submissions (2):

Genomenon, Inc
Classification: Uncertain significance for Fabry disease. Last evaluated: 2026-09-08. Review status: criteria provided, single submitter. Criteria: Genomenon Sequence Variant Interpretation Standards - Updated. Collection method: curation. Allele origin: germline. Affected: no.
Comment: GLA c.-79G>A is a variant located in the 5′ untranslated region (5′ UTR). This variant has been reported in the published literature (PMID:39336803). It is absent or not present at a significant frequency in gnomAD. In conclusion, we classify GLA c.-79G>A as a variant of uncertain significance.

Women's Health and Genetics/Laboratory Corporation of America, LabCorp
Classification: Uncertain significance. Last evaluated: 2019-08-29. Review status: criteria provided, single submitter. Criteria: LabCorp Variant Classification Summary - May 2015. Collection method: clinical testing. Allele origin: germline.
Comment: Variant summary: GLA c.-79G>A is located in the untranslated mRNA region upstream of the initiation codon. The variant was absent in 177701 control chromosomes. The available data on variant occurrences in the general population are insufficient to allow any conclusion about variant significance. To our knowledge, no occurrence of c.-79G>A in individuals affected with Fabry Disease and no experimental evidence demonstrating its impact on protein function have been reported. No clinical diagnostic laboratories have submitted clinical-significance assessments for this variant to ClinVar after 2014. Based on the evidence outlined above, the variant was classified as uncertain significance.

Literature cited by the submitters: PubMed 39336803 (cited by Genomenon, Inc); PubMed 25772321 (cited by Women's Health and Genetics/Laboratory Corporation of America, LabCorp); PubMed 18979223 (cited by Women's Health and Genetics/Laboratory Corporation of America, LabCorp).